The following is an entry in ClinVar:

NM_000057.4(BLM):c.3637G>A (p.Glu1213Lys)

Gene: BLM (BLM RecQ like helicase; plus strand). Cytogenetic location: 15q26.1.
Variant type: single nucleotide variant.
Coding change: c.3637G>A on transcript NM_000057.4 (MANE Select); coding-DNA position 3637, G replaced by A.
Protein change: p.Glu1213Lys; replaces glutamic acid 1213 with lysine.
Molecular consequence: missense variant. On other transcripts: intron variant (1).
Genome position (GRCh38, 1-based): chr15:90,804,245, G>A. VCF-style: chr15-90804245-G-A. GRCh37 (hg19) VCF-style: chr15-91347475-G-A.
Other names: c.3637G>A, p.Glu1213Lys (NM_001287246.2); c.2512G>A, p.Glu838Lys (NM_001287248.2); c.3359-4892G>A (NM_001287247.2); c.3637G>A (LRG_20t1); short protein forms E1213K, E838K.
Identifiers: ClinVar variation 133702 (VCV000133702.18), dbSNP rs28385142, ClinGen allele CA157397.

ClinVar aggregate classification (germline): Conflicting classifications of pathogenicity. Review status: criteria provided, conflicting classifications (1 of 4 stars). 9 submissions from 9 submitters: Uncertain significance (7); Likely benign (1). 1 of the submissions does not count toward it. Last evaluated 2026-05-18.

Conditions:
Hereditary cancer-predisposing syndrome. Also called: Hereditary neoplastic syndrome; Hereditary Cancer Syndrome; Neoplastic Syndromes, Hereditary; Tumor predisposition. Identifiers: Orphanet 140162, MedGen C0027672, MeSH D009386, MONDO:0015356.
Bloom syndrome (BLM). Also called: Bloom-Torre-Machacek syndrome. Identifiers: Orphanet 125, MedGen C0005859, MONDO:0008876, OMIM 210900.

Allele frequency attached by ClinVar (database versions not stated): gnomAD exomes 0.00002 and 0.00001; gnomAD 0.00001; TOPMed 0.00003.
gnomAD v4.1: 16 of 1,614,066 alleles (0.00099%); highest among the groups gnomAD compares: Admixed American, 0.013%; no homozygotes.

Submissions (9):

Women's Health and Genetics/Laboratory Corporation of America, LabCorp
Classification: Uncertain significance. Last evaluated: 2026-05-18. Review status: criteria provided, single submitter. Criteria: LabCorp Variant Classification Summary - May 2015. Collection method: clinical testing. Allele origin: germline.
Comment: Variant summary: BLM c.3637G>A (p.Glu1213Lys) results in a conservative amino acid change in the encoded protein sequence. Algorithms developed to predict the effect of missense changes on protein structure and function are either unavailable or do not agree on the potential impact of this missense change. The variant allele was found at a frequency of 1.6e-05 in 251392 control chromosomes. The available data on variant occurrences in the general population are insufficient to allow any conclusion about variant significance. To our knowledge, no occurrence of c.3637G>A in individuals affected with BLM-related conditions has been reported. At least one publication reports experimental evidence evaluating an impact on protein function. These results showed no damaging effect of this variant (Mirzaei_2012). The following publication has been ascertained in the context of this evaluation (PMID: 23129629). ClinVar contains an entry for this variant (Variation ID: 133702). Based on the evidence outlined above, the variant was classified as uncertain significance.

St. Jude Molecular Pathology, St. Jude Children's Research Hospital
Classification: Uncertain significance for Bloom syndrome. Last evaluated: 2026-02-11. Review status: criteria provided, single submitter. Criteria: St. Jude Assertion Criteria 2020. Collection method: clinical testing. Allele origin: germline.
Comment: The BLM c.3637G>A p.(Glu1213Lys) missense change has a maximum subpopulation frequency of 0.01% in gnomAD v2.1.1. The in silico tool REVEL predicts a benign effect on protein function. This variant was found to be functionally normal in a study assessing cell growth in the presence of a DNA damaging agent (PMID: 23129629). To our knowledge, this variant has not been reported in individuals with Bloom syndrome. In summary, the evidence currently available is insufficient to determine the clinical significance of this variant. It has therefore been classified as of uncertain significance.

Quest Diagnostics Nichols Institute San Juan Capistrano
Classification: Uncertain significance. Last evaluated: 2024-11-25. Review status: criteria provided, single submitter. Criteria: Quest Diagnostics criteria. Collection method: clinical testing. Allele origin: unknown.
Comment: The BLM c.3637G>A (p.Glu1213Lys) variant has been reported in the published literature in reportedly healthy individuals (PMID: 24728327 (2014)). A yeast based functional study has shown that this variant does not display sensitivity to a DNA damaging agent (PMID: 23129629 (2012)). The frequency of this variant in the general population, 0.00011 (4/35436 chromosomes (Genome Aggregation Database)), is uninformative in the assessment of its pathogenicity. Analysis of this variant using bioinformatics tools for the prediction of the effect of amino acid changes on protein structure and function yielded predictions that this variant is benign. Based on the available information, we are unable to determine the clinical significance of this variant.

GeneDx
Classification: Uncertain significance. Last evaluated: 2023-12-13. Review status: criteria provided, single submitter. Criteria: GeneDx Variant Classification Process June 2021. Collection method: clinical testing. Allele origin: germline. Affected: yes.
Comment: Not observed at significant frequency in large population cohorts (gnomAD); In silico analysis supports that this missense variant has a deleterious effect on protein structure/function; Identified in healthy individuals undergoing whole genome sequencing (PMID: 24728327); Published functional studies demonstrate no damaging effect to growth in the presence of a DNA-damaging agent (PMID: 23129629); This variant is associated with the following publications: (PMID: 24728327, 23129629)

Labcorp Genetics (formerly Invitae), Labcorp
Classification: Uncertain significance for Bloom syndrome. Last evaluated: 2022-09-26. Review status: criteria provided, single submitter. Criteria: Invitae Variant Classification Sherloc (09022015). Collection method: clinical testing. Allele origin: germline.
Comment: This sequence change replaces glutamic acid, which is acidic and polar, with lysine, which is basic and polar, at codon 1213 of the BLM protein (p.Glu1213Lys). This variant is present in population databases (rs28385142, gnomAD 0.01%). This variant has not been reported in the literature in individuals affected with BLM-related conditions. ClinVar contains an entry for this variant (Variation ID: 133702). Advanced modeling of protein sequence and biophysical properties (such as structural, functional, and spatial information, amino acid conservation, physicochemical variation, residue mobility, and thermodynamic stability) performed at Invitae indicates that this missense variant is not expected to disrupt BLM protein function. Experimental studies have shown that this missense change does not substantially affect BLM function (PMID: 23129629). In summary, the available evidence is currently insufficient to determine the role of this variant in disease. Therefore, it has been classified as a Variant of Uncertain Significance.

Baylor Genetics
Classification: Uncertain significance for Bloom syndrome. Last evaluated: 2020-02-23. Review status: criteria provided, single submitter. Criteria: ACMG Guidelines, 2015. Collection method: clinical testing. Allele origin: unknown. Affected: yes. Study: CSER-TexasKidsCanSeq.
Comment: This variant was determined to be of uncertain significance according to ACMG Guidelines, 2015 [PMID:25741868].

Ambry Genetics
Classification: Likely benign for Hereditary cancer-predisposing syndrome. Last evaluated: 2019-10-11. Review status: criteria provided, single submitter. Criteria: Ambry Variant Classification Scheme 2023. Collection method: clinical testing. Allele origin: germline.

Eurofins Ntd Llc (ga)
Classification: Uncertain significance. Last evaluated: 2017-04-28. Review status: criteria provided, single submitter. Criteria: EGL Classification Definitions 2015. Collection method: clinical testing. Allele origin: germline. Observed: 1 variant allele, 1 heterozygote.

ITMI
No classification provided. Condition: AllHighlyPenetrant. Last evaluated: 2013-09-19. Review status: no classification provided. Collection method: reference population. Allele origin: germline. Not counted in ClinVar's aggregate classification.
Comment: Please see associated publication for description of ethnicities

Literature cited by the submitters: PubMed 23129629 (cited by 4 submitters); PubMed 24728327 (cited by Quest Diagnostics Nichols Institute San Juan Capistrano and ITMI).